The following is an entry in ClinVar:

ClinVar aggregate classification (germline): Pathogenic (1 of 4 stars; one submission).

Conditions:
EPILEPSY, CHILDHOOD ABSENCE, SUSCEPTIBILITY TO, 2 (ECA2). Identifiers: Orphanet 64280, MedGen C1843244, OMIM 607681.
Febrile seizures, familial, 8 (FEB8). Also called: CONVULSIONS, FAMILIAL FEBRILE, 8. Identifiers: Orphanet 36387, MedGen C1969810, MONDO:0011891, OMIM 607681.

Submission:

Labcorp Genetics (formerly Invitae), Labcorp
Classification: Pathogenic for Febrile seizures, familial, 8; EPILEPSY, CHILDHOOD ABSENCE, SUSCEPTIBILITY TO, 2. Last evaluated: 2022-09-27. Review status: criteria provided, single submitter. Criteria: Invitae Variant Classification Sherloc (09022015). Collection method: clinical testing. Allele origin: germline.
Comment: For these reasons, this variant has been classified as Pathogenic. This variant has not been reported in the literature in individuals affected with GABRG2-related conditions. This variant is not present in population databases (gnomAD no frequency). This sequence change creates a premature translational stop signal (p.Cys190*) in the GABRG2 gene. It is expected to result in an absent or disrupted protein product. Loss-of-function variants in GABRG2 are known to be pathogenic (PMID: 22539854, 22750526, 24407264).

Literature cited by the submitters: PubMed 22539854; PubMed 22750526; PubMed 24407264.

NM_198904.4(GABRG2):c.570C>A (p.Cys190Ter)

Gene: GABRG2 (gamma-aminobutyric acid type A receptor subunit gamma2; plus strand). Cytogenetic location: 5q34.
Variant type: single nucleotide variant.
Coding change: c.570C>A on transcript NM_198904.4 (MANE Select); coding-DNA position 570, C replaced by A.
Protein change: p.Cys190Ter; replaces cysteine 190 with a stop codon.
Molecular consequence: nonsense.
Genome position (GRCh38, 1-based): chr5:162,101,256, C>A. VCF-style: chr5-162101256-C-A. GRCh37 (hg19) VCF-style: chr5-161528262-C-A.
Other names: c.570C>A, p.Cys190Ter (NM_000816.3, NM_001375340.1, NM_001375341.1 and 4 more transcripts); c.561C>A, p.Cys187Ter (NM_001375339.1); c.504C>A, p.Cys168Ter (NM_001375345.1, NM_001375346.1); c.483C>A, p.Cys161Ter (NM_001375347.1); c.150C>A, p.Cys50Ter (NM_001375348.1, NM_001375350.1); c.285C>A, p.Cys95Ter (NM_001375349.1); short protein forms C161*, C190*, C168*, C50*, C95*, C187*.
Identifiers: ClinVar variation 2012801 (VCV002012801.4), dbSNP rs564464466, ClinGen allele CA362184535.